The following is an entry in ClinVar:

ClinVar aggregate classification (germline): Uncertain significance (1 of 4 stars; one submission).

Submission:

GeneDx
Classification: Uncertain significance. Last evaluated: 2016-11-07. Review status: criteria provided, single submitter. Criteria: GeneDx Variant Classification (06012015). Collection method: clinical testing. Allele origin: germline. Affected: yes.
Comment: The c.152dupA variant in the SSBP2 gene has not been reported previously as a pathogenic variant nor as a benign variant, to our knowledge. The c.152dupA variant causes a frameshift starting with codon Asparagine 51, changes this amino acid to a Lysine residue, and creates a premature Stop codon at position 30 of the new reading frame, denoted p.Asn51LysfsX30. This variant is predicted to cause loss of normal protein function either through protein truncation or nonsense-mediated mRNA decay. The c.152dupA variant was not observed in approximately 6500 individuals of European and African American ancestry in the NHLBI Exome Sequencing Project, indicating it is not a common benign variant in these populations. We interpret c.152dupA as a variant of uncertain significance.

NM_001256732.3(SSBP2):c.152dup (p.Asn51fs)

Gene: SSBP2 (single stranded DNA binding protein 2; minus strand). Cytogenetic location: 5q14.1.
Variant type: Duplication.
Coding change: c.152dup on transcript NM_001256732.3 (MANE Select); coding-DNA position 152, one base duplicated (A; older notation c.152dupA).
Protein change: p.Asn51fs; shifts the reading frame from asparagine 51.
Molecular consequence: frameshift variant.
Genome position (GRCh38, 1-based): chr5:81,636,602, T duplicated on the plus strand (A on the coding strand, the reverse complement: SSBP2 is on the minus strand); the first of 7 consecutive T bases (chr5:81,636,602-81,636,608); duplicating any one gives the same sequence. VCF-style (leftmost placement, unchanged base first): chr5-81636601-G-GT. GRCh37 (hg19) VCF-style: chr5-80932420-G-GT.
Other names: c.152dup, p.Asn51fs (NM_001256733.3, NM_001256734.3, NM_001256735.3 and 5 more transcripts); c.140dup, p.Asn47fs (NM_001394351.1); short protein forms N51fs, N47fs.
Identifiers: ClinVar variation 373289 (VCV000373289.1), dbSNP rs1057518330, ClinGen allele CA16042623.